The following is an entry in ClinVar:

NM_005159.5(ACTC1):c.194G>T (p.Gly65Val)

Genes: GJD2-DT (GJD2 divergent transcript; plus strand), ACTC1 (actin alpha cardiac muscle 1; minus strand). Cytogenetic location: 15q14.
Variant type: single nucleotide variant.
Coding change: c.194G>T on transcript NM_005159.5 (MANE Select); coding-DNA position 194, G replaced by T.
Protein change: p.Gly65Val; replaces glycine 65 with valine.
Molecular consequence: missense variant. On other transcripts: 5 prime UTR variant (1).
Genome position (GRCh38, 1-based): chr15:34,793,505, C>A on the plus strand (G>T on the coding strand, the complement: ACTC1 is on the minus strand). VCF-style: chr15-34793505-C-A. GRCh37 (hg19) VCF-style: chr15-35085706-C-A.
Other names: c.194G>T, p.Gly65Val (NM_001406482.1, NM_001406483.1); c.59G>T, p.Gly20Val (NM_001406484.1); c.-195G>T (NM_001406485.1); short protein forms G65V, G20V.
Identifiers: ClinVar variation 4782764 (VCV004782764.1).

ClinVar aggregate classification (germline): Uncertain significance (1 of 4 stars; one submission).

Conditions:
Dilated cardiomyopathy 1R (CMD1R). Identifiers: Orphanet 154, Orphanet 54260, MedGen C3150681, MONDO:0013261, OMIM 613424.
Atrial septal defect 5 (ASD5). Identifiers: Orphanet 1478, MedGen C2748552, MONDO:0013011, OMIM 612794.
Hypertrophic cardiomyopathy 11. Also called: ACTC1-Related Familial Hypertrophic Cardiomyopathy. Identifiers: MedGen C2677506, MONDO:0012799, OMIM 612098.

Submission:

Labcorp Genetics (formerly Invitae), Labcorp
Classification: Uncertain significance for Dilated cardiomyopathy 1R; Hypertrophic cardiomyopathy 11; Atrial septal defect 5. Last evaluated: 2025-10-23. Review status: criteria provided, single submitter. Criteria: Invitae Variant Classification Sherloc (09022015). Collection method: clinical testing. Allele origin: germline.
Comment: This sequence change replaces glycine, which is neutral and non-polar, with valine, which is neutral and non-polar, at codon 65 of the ACTC1 protein (p.Gly65Val). This variant is not present in population databases (gnomAD no frequency). This variant has not been reported in the literature in individuals affected with ACTC1-related conditions. Invitae Evidence Modeling of protein sequence and biophysical properties (such as structural, functional, and spatial information, amino acid conservation, physicochemical variation, residue mobility, and thermodynamic stability) indicates that this missense variant is expected to disrupt ACTC1 protein function with a positive predictive value of 80%. In summary, the available evidence is currently insufficient to determine the role of this variant in disease. Therefore, it has been classified as a Variant of Uncertain Significance.